The following is an entry in ClinVar:

NM_130384.3(ATRIP):c.2303G>A (p.Cys768Tyr)

Genes: ATRIP (ATR interacting protein; plus strand), ATRIP-TREX1 (ATRIP-TREX1 readthrough; plus strand). Cytogenetic location: 3p21.31.
Variant type: single nucleotide variant.
Coding change: c.2303G>A on transcript NM_130384.3 (MANE Select); coding-DNA position 2303, G replaced by A.
Protein change: p.Cys768Tyr; replaces cysteine 768 with tyrosine.
Molecular consequence: missense variant. On other transcripts: non-coding transcript variant (1).
Genome position (GRCh38, 1-based): chr3:48,465,078, G>A. VCF-style: chr3-48465078-G-A. GRCh37 (hg19) VCF-style: chr3-48506477-G-A.
Other names: c.1922G>A, p.Cys641Tyr (NM_001271022.2); c.2024G>A, p.Cys675Tyr (NM_001271023.2); c.2222G>A, p.Cys741Tyr (NM_032166.4); short protein forms C768Y, C675Y, C741Y, C641Y.
Identifiers: ClinVar variation 3810324 (VCV003810324.1).
Genomic context (GRCh38, chr3:48,465,078, plus strand): 5'-TTGACCAGGTGATGCCGGGGGTCAGCATGCTCATCCGAGGGCTTCCTGATGTGACGGACT[G>A]TGAAGGTAAGCCTGCCAGAGGCCATCCTGCCCAGCCCCCATGGCTTCTTCCAGAGGTTCC-3'
Protein context (NP_569055.1, residues 758-778): LIRGLPDVTD[Cys768Tyr]EEAALDDLCA

ClinVar aggregate classification (germline): Uncertain significance (1 of 4 stars; one submission).

gnomAD v4.1: 2 of 1,606,932 alleles (0.00012%); highest among the groups gnomAD compares: Non-Finnish European, 0.00017%; no homozygotes.

Submission:

Ambry Genetics
Classification: Uncertain significance. Last evaluated: 2025-02-02. Review status: criteria provided, single submitter. Criteria: Ambry Variant Classification Scheme 2023. Collection method: clinical testing. Allele origin: germline.
Comment: The p.C768Y variant (also known as c.2303G>A), located in coding exon 12 of the ATRIP gene, results from a G to A substitution at nucleotide position 2303. The cysteine at codon 768 is replaced by tyrosine, an amino acid with highly dissimilar properties. This amino acid position is conserved. In addition, this alteration is predicted to be tolerated by in silico analysis. Based on the available evidence, the clinical significance of this variant remains unclear.